The following is an entry in ClinVar:

NM_001048174.2(MUTYH):c.957G>C (p.Glu319Asp)

Gene: MUTYH (mutY DNA glycosylase; minus strand). Cytogenetic location: 1p34.1.
Variant type: single nucleotide variant.
Coding change: c.957G>C on transcript NM_001048174.2 (MANE Select); coding-DNA position 957, G replaced by C.
Protein change: p.Glu319Asp; replaces glutamic acid 319 with aspartic acid.
Molecular consequence: missense variant. On other transcripts: non-coding transcript variant (7).
Genome position (GRCh38, 1-based): chr1:45,331,806, C>G on the plus strand (G>C on the coding strand, the complement: MUTYH is on the minus strand). VCF-style: chr1-45331806-C-G. GRCh37 (hg19) VCF-style: chr1-45797478-C-G.
Other names: c.957G>C, p.Glu319Asp (NM_001048171.2, NM_001048173.2, NM_001293195.2 and 6 more transcripts); c.960G>C, p.Glu320Asp (NM_001048172.2, NM_001407071.1, NM_001407078.1 and 1 more transcripts); c.1041G>C, p.Glu347Asp (NM_001128425.2); c.1002G>C, p.Glu334Asp (NM_001293190.2); c.990G>C, p.Glu330Asp (NM_001293191.2, NM_001407069.1, NM_001407077.1); c.681G>C, p.Glu227Asp (NM_001293192.2, NM_001293196.2, NM_001407091.1); c.612G>C, p.Glu204Asp (NM_001350650.2, NM_001350651.2, NM_001407082.1); c.873G>C, p.Glu291Asp (NM_001407075.1); and 5 more; short protein forms E204D, E319D, E344D, E227D, E347D, E306D, E320D, E326D.
Identifiers: ClinVar variation 4112950 (VCV004112950.1).

ClinVar aggregate classification (germline): Uncertain significance (1 of 4 stars; one submission).

Conditions:
Hereditary cancer-predisposing syndrome. Also called: Tumor predisposition; Neoplastic Syndromes, Hereditary; Hereditary neoplastic syndrome; Hereditary Cancer Syndrome. Identifiers: Orphanet 140162, MedGen C0027672, MeSH D009386, MONDO:0015356.

Submission:

Ambry Genetics
Classification: Uncertain significance for Hereditary cancer-predisposing syndrome. Last evaluated: 2025-08-27. Review status: criteria provided, single submitter. Criteria: Ambry Variant Classification Scheme 2023. Collection method: clinical testing. Allele origin: germline.
Comment: The p.E347D variant (also known as c.1041G>C), located in coding exon 12 of the MUTYH gene, results from a G to C substitution at nucleotide position 1041. The glutamic acid at codon 347 is replaced by aspartic acid, an amino acid with highly similar properties. This amino acid position is conserved. In addition, this alteration is predicted to be tolerated by in silico analysis. Based on the available evidence, the clinical significance of this variant remains unclear.